The following is an entry in ClinVar:

NM_000257.4(MYH7):c.4417G>C (p.Glu1473Gln)

Genes: MHRT (myosin heavy chain associated RNA transcript; plus strand), MYH7 (myosin heavy chain 7; minus strand). Cytogenetic location: 14q11.2.
Variant type: single nucleotide variant.
Coding change: c.4417G>C on transcript NM_000257.4 (MANE Select); coding-DNA position 4417, G replaced by C.
Protein change: p.Glu1473Gln; replaces glutamic acid 1473 with glutamine.
Molecular consequence: missense variant. On other transcripts: non-coding transcript variant (1).
Genome position (GRCh38, 1-based): chr14:23,417,255, C>G on the plus strand (G>C on the coding strand, the complement: MYH7 is on the minus strand). VCF-style: chr14-23417255-C-G. GRCh37 (hg19) VCF-style: chr14-23886464-C-G.
Other names: c.4417G>C, p.Glu1473Gln (NM_001407004.1); short protein forms E1473Q.
Identifiers: ClinVar variation 3073046 (VCV003073046.1), dbSNP rs2502250187, ClinGen allele CA389038583.

ClinVar aggregate classification (germline): Uncertain significance (1 of 4 stars; one submission).

Conditions:
Cardiomyopathy (CMYO). Also called: Cardiomyopathies. Identifiers: Orphanet 167848, MedGen C0878544, MONDO:0004994, HP:0001638. Inheritance: Various modes of inheritance.

gnomAD v4.1: 1 of 1,614,212 alleles (0.000062%); no homozygotes.

Submission:

All of Us Research Program, National Institutes of Health
Classification: Uncertain significance for Cardiomyopathy. Last evaluated: 2023-11-30. Review status: criteria provided, single submitter. Criteria: ACMG Guidelines, 2015. Collection method: clinical testing. Allele origin: germline. Inheritance: Autosomal dominant inheritance. Observed: 1 variant allele, 1 heterozygote.
Comment: This study involves interpretation of variants in research participants for the purpose of population health screening. Participant phenotype was not available at the time of variant classification. Additional details can be found in publication PMID: 35346344, PMCID: PMC8962531